The following is an entry in ClinVar:

NM_032382.5(COG8):c.1027del (p.Asp343fs)

Gene: COG8 (component of oligomeric golgi complex 8; minus strand). Cytogenetic location: 16q22.1.
Variant type: Deletion.
Coding change: c.1027del on transcript NM_032382.5 (MANE Select); coding-DNA position 1027, one base deleted (G; older notation c.1027delG).
Protein change: p.Asp343fs; shifts the reading frame from aspartic acid 343.
Molecular consequence: frameshift variant.
Genome position (GRCh38, 1-based): chr16:69,334,907, C deleted on the plus strand (G on the coding strand, the reverse complement: COG8 is on the minus strand); the first of 2 consecutive C bases (chr16:69,334,907-69,334,908); deleting either gives the same sequence. VCF-style (leftmost placement, unchanged base first): chr16-69334906-TC-T. GRCh37 (hg19) VCF-style: chr16-69368809-TC-T.
Other names: c.1027del, p.Asp343fs (NM_001374871.1, NM_001379261.1, NM_001379262.1 and 4 more transcripts); short protein forms D343fs.
Identifiers: ClinVar variation 4712261 (VCV004712261.1).

ClinVar aggregate classification (germline): Pathogenic (1 of 4 stars; one submission).

Conditions:
COG8-congenital disorder of glycosylation. Also called: CDG IIh; COG8-CDG. Identifiers: Orphanet 95428, MedGen C1970021, MONDO:0012635, OMIM 611182.

Submission:

Labcorp Genetics (formerly Invitae), Labcorp
Classification: Pathogenic for COG8-congenital disorder of glycosylation. Last evaluated: 2025-02-04. Review status: criteria provided, single submitter. Criteria: Invitae Variant Classification Sherloc (09022015). Collection method: clinical testing. Allele origin: germline.
Comment: This sequence change creates a premature translational stop signal (p.Asp343Thrfs*52) in the COG8 gene. It is expected to result in an absent or disrupted protein product. Loss-of-function variants in COG8 are known to be pathogenic (PMID: 17220172, 23806237). This variant is not present in population databases (gnomAD no frequency). This variant has not been reported in the literature in individuals affected with COG8-related conditions. For these reasons, this variant has been classified as Pathogenic.

Literature cited by the submitters: PubMed 17220172; PubMed 23806237.